The following is an entry in ClinVar:

NM_182641.4(BPTF):c.6548C>T (p.Pro2183Leu)

Gene: BPTF (bromodomain PHD finger transcription factor; plus strand). Cytogenetic location: 17q24.2.
Variant type: single nucleotide variant.
Coding change: c.6548C>T on transcript NM_182641.4 (MANE Select); coding-DNA position 6548, C replaced by T.
Protein change: p.Pro2183Leu; replaces proline 2183 with leucine.
Molecular consequence: missense variant.
Genome position (GRCh38, 1-based): chr17:67,944,220, C>T. VCF-style: chr17-67944220-C-T. GRCh37 (hg19) VCF-style: chr17-65940336-C-T.
Other names: c.6926C>T, p.Pro2309Leu (NM_004459.7); c.6548C>T (NM_182641.3); short protein forms P2183L, P2309L.
Identifiers: ClinVar variation 1314307 (VCV001314307.3), dbSNP rs2147907022, ClinGen allele CA400722751.
Genomic context (GRCh38, chr17:67,944,220, plus strand): 5'-AAGGTTTGACAGTAGTAATTCAAGGACAAGGTCAAACTACTGGACAGTTGCAGTTGATAC[C>T]TCAAGGGGTGACTGTACTCCCAGGCCCAGGCCAGCAGCTAATGCAAGCTGCAATGCCAAA-3'
Protein context (NP_872579.2, residues 2173-2193): GQTTGQLQLI[Pro2183Leu]QGVTVLPGPG

ClinVar aggregate classification (germline): Uncertain significance. Review status: criteria provided, multiple submitters, no conflicts (2 of 4 stars). 2 submissions from 2 submitters: Uncertain significance (2). Last evaluated 2025-07-08.

Conditions:
Inborn genetic diseases. Identifiers: MedGen C0950123, MeSH D030342.

Submissions (2):

Ambry Genetics
Classification: Uncertain significance for Inborn genetic diseases. Last evaluated: 2025-07-08. Review status: criteria provided, single submitter. Criteria: Ambry Variant Classification Scheme 2023. Collection method: clinical testing. Allele origin: germline.

GeneDx
Classification: Uncertain significance. Last evaluated: 2021-04-09. Review status: criteria provided, single submitter. Criteria: GeneDx Variant Classification Process June 2021. Collection method: clinical testing. Allele origin: germline. Affected: yes.
Comment: Not observed in large population cohorts (Lek et al., 2016); In silico analysis supports that this missense variant has a deleterious effect on protein structure/function; Has not been previously published as pathogenic or benign to our knowledge